The following is an entry in ClinVar:

NM_006351.4(TIMM44):c.363G>A (p.Lys121=)

Gene: TIMM44 (translocase of inner mitochondrial membrane 44; minus strand). Cytogenetic location: 19p13.2.
Variant type: single nucleotide variant.
Coding change: c.363G>A on transcript NM_006351.4 (MANE Select); coding-DNA position 363, G replaced by A.
Protein change: p.Lys121=; no amino-acid change (lysine 121 retained).
Molecular consequence: synonymous variant.
Genome position (GRCh38, 1-based): chr19:7,935,095, C>T on the plus strand (G>A on the coding strand, the complement: TIMM44 is on the minus strand). VCF-style: chr19-7935095-C-T. GRCh37 (hg19) VCF-style: chr19-7999980-C-T.
Identifiers: ClinVar variation 378730 (VCV000378730.5), dbSNP rs34837363, ClinGen allele CA9149905.
Genomic context (GRCh38, chr19:7,935,095, plus strand): 5'-AGCGGCTCCAGGCGGGCGTGGAACTGTTACCTCCTTCACGGTGCCCGTCAGCTCCCCAAG[C>T]TTCTTCCGTAGCACCTCGCTCGTCCGCACGGTTTCTGACTCGATGGTTTTCTAGGTAAAG-3'
Protein context (NP_006342.2, residues 111-131): TVRTSEVLRK[Lys121=]LGELTGTVKE

ClinVar aggregate classification (germline): Benign. Review status: criteria provided, multiple submitters, no conflicts (2 of 4 stars). 3 submissions from 3 submitters: Benign (3). Last evaluated 2018-06-05.

Allele frequency attached by ClinVar (database versions not stated): gnomAD exomes 0.00054 and 0.00136; ExAC 0.00168; gnomAD 0.00533 and 0.00572; ESP Exome Variant Server 0.00615; TOPMed 0.00633; 1000 Genomes Project 0.00739; 1000 Genomes Project 30x 0.00828.
gnomAD v4.1: 1,639 of 1,613,626 alleles (0.1%); highest among the groups gnomAD compares: African/African-American, 2%; 13 homozygotes.

Submissions (3):

Labcorp Genetics (formerly Invitae), Labcorp
Classification: Benign. Last evaluated: 2018-06-05. Review status: criteria provided, single submitter. Criteria: Invitae Variant Classification Sherloc (09022015). Collection method: clinical testing. Allele origin: germline.

GeneDx
Classification: Benign. Last evaluated: 2015-06-15. Review status: criteria provided, single submitter. Criteria: GeneDx Variant Classification (06012015). Collection method: clinical testing. Allele origin: germline. Affected: yes.
Comment: This variant is considered likely benign or benign based on one or more of the following criteria: it is a conservative change, it occurs at a poorly conserved position in the protein, it is predicted to be benign by multiple in silico algorithms, and/or has population frequency not consistent with disease.

Breakthrough Genomics
Classification: Benign. Review status: criteria provided, single submitter. Criteria: ACMG Guidelines, 2015. Collection method: not provided. Allele origin: germline. Inheritance: Unknown mechanism. Affected: yes.